The following is an entry in ClinVar:

NM_015650.4(TRAF3IP1):c.1561T>G (p.Ser521Ala)

Gene: TRAF3IP1 (TRAF3 interacting protein 1; plus strand). Cytogenetic location: 2q37.3.
Variant type: single nucleotide variant.
Coding change: c.1561T>G on transcript NM_015650.4 (MANE Select); coding-DNA position 1561, T replaced by G.
Protein change: p.Ser521Ala; replaces serine 521 with alanine.
Molecular consequence: missense variant.
Genome position (GRCh38, 1-based): chr2:238,352,936, T>G. VCF-style: chr2-238352936-T-G. GRCh37 (hg19) VCF-style: chr2-239261577-T-G.
Other names: c.1363T>G, p.Ser455Ala (NM_001139490.1); short protein forms S521A, S455A.
Identifiers: ClinVar variation 1397036 (VCV001397036.4), dbSNP rs532037506, ClinGen allele CA67957821.

ClinVar aggregate classification (germline): Uncertain significance (1 of 4 stars; one submission).

Allele frequency attached by ClinVar (database versions not stated): gnomAD exomes below 0.00001; TOPMed below 0.00001.

Submission:

Labcorp Genetics (formerly Invitae), Labcorp
Classification: Uncertain significance. Last evaluated: 2022-11-01. Review status: criteria provided, single submitter. Criteria: Invitae Variant Classification Sherloc (09022015). Collection method: clinical testing. Allele origin: germline.
Comment: In summary, the available evidence is currently insufficient to determine the role of this variant in disease. Therefore, it has been classified as a Variant of Uncertain Significance. Advanced modeling of protein sequence and biophysical properties (such as structural, functional, and spatial information, amino acid conservation, physicochemical variation, residue mobility, and thermodynamic stability) performed at Invitae indicates that this missense variant is not expected to disrupt TRAF3IP1 protein function. ClinVar contains an entry for this variant (Variation ID: 1397036). This variant has not been reported in the literature in individuals affected with TRAF3IP1-related conditions. This variant is present in population databases (rs532037506, gnomAD 0.0009%). This sequence change replaces serine, which is neutral and polar, with alanine, which is neutral and non-polar, at codon 521 of the TRAF3IP1 protein (p.Ser521Ala).